The following is an entry in ClinVar:

ClinVar aggregate classification (germline): Uncertain significance (1 of 4 stars; one submission).

Allele frequency attached by ClinVar (database versions not stated): gnomAD exomes 0.00001; TOPMed 0.00002; ExAC 0.00003; gnomAD 0.00003; 1000 Genomes Project 0.00020; 1000 Genomes Project 30x 0.00031.

Submission:

Labcorp Genetics (formerly Invitae), Labcorp
Classification: Uncertain significance. Last evaluated: 2022-08-16. Review status: criteria provided, single submitter. Criteria: Invitae Variant Classification Sherloc (09022015). Collection method: clinical testing. Allele origin: germline.
Comment: This variant has not been reported in the literature in individuals affected with DOCK6-related conditions. Algorithms developed to predict the effect of missense changes on protein structure and function (SIFT, PolyPhen-2, Align-GVGD) all suggest that this variant is likely to be tolerated. In summary, the available evidence is currently insufficient to determine the role of this variant in disease. Therefore, it has been classified as a Variant of Uncertain Significance. This sequence change replaces threonine, which is neutral and polar, with methionine, which is neutral and non-polar, at codon 95 of the DOCK6 protein (p.Thr95Met). This variant is present in population databases (rs575157102, gnomAD 0.009%).

NM_020812.4(DOCK6):c.284C>T (p.Thr95Met)

Gene: DOCK6 (dedicator of cytokinesis 6; minus strand). Cytogenetic location: 19p13.2.
Variant type: single nucleotide variant.
Coding change: c.284C>T on transcript NM_020812.4 (MANE Select); coding-DNA position 284, C replaced by T.
Protein change: p.Thr95Met; replaces threonine 95 with methionine.
Molecular consequence: missense variant.
Genome position (GRCh38, 1-based): chr19:11,252,807, G>A on the plus strand (C>T on the coding strand, the complement: DOCK6 is on the minus strand). VCF-style: chr19-11252807-G-A. GRCh37 (hg19) VCF-style: chr19-11363483-G-A.
Other names: c.284C>T, p.Thr95Met (NM_001367830.1); short protein forms T95M.
Identifiers: ClinVar variation 2066111 (VCV002066111.3), dbSNP rs575157102, ClinGen allele CA9208573.
Genomic context (GRCh38, chr19:11,252,807, plus strand): 5'-GAATCACAGGCAGAGAGGGCGTGGGGCTGAACCCACTCATCCTTGGGGATCCCGGGCTCC[G>A]TGGTCCGGCATTCCCGGGGCTGCAGCAGCAGCTCCAAGTCATCAGCTGGGAATTCTACCA-3'
Protein context (NP_065863.2, residues 85-105): LLLQPRECRT[Thr95Met]EPGIPKDEKL